The following is an entry in ClinVar:

NM_024741.3(ZNF408):c.1021G>A (p.Gly341Ser)

Gene: ZNF408 (zinc finger protein 408; plus strand). Cytogenetic location: 11p11.2.
Variant type: single nucleotide variant.
Coding change: c.1021G>A on transcript NM_024741.3 (MANE Select); coding-DNA position 1021, G replaced by A.
Protein change: p.Gly341Ser; replaces glycine 341 with serine.
Molecular consequence: missense variant.
Genome position (GRCh38, 1-based): chr11:46,704,721, G>A. VCF-style: chr11-46704721-G-A. GRCh37 (hg19) VCF-style: chr11-46726271-G-A.
Other names: c.997G>A, p.Gly333Ser (NM_001184751.2); short protein forms G333S, G341S.
Identifiers: ClinVar variation 1063177 (VCV001063177.8), dbSNP rs1190654651, ClinGen allele CA380254664.

ClinVar aggregate classification (germline): Uncertain significance. Review status: criteria provided, multiple submitters, no conflicts (2 of 4 stars). 2 submissions from 2 submitters: Uncertain significance (2). Last evaluated 2024-01-31.

Allele frequency attached by ClinVar (database versions not stated): TOPMed 0.00002; gnomAD 0.00003.
gnomAD v4.1: 4 of 1,602,788 alleles (0.00025%); highest among the groups gnomAD compares: African/African-American, 0.0054%; no homozygotes.

Submissions (2):

Labcorp Genetics (formerly Invitae), Labcorp
Classification: Uncertain significance. Last evaluated: 2024-01-31. Review status: criteria provided, single submitter. Criteria: Invitae Variant Classification Sherloc (09022015). Collection method: clinical testing. Allele origin: germline.
Comment: This sequence change replaces glycine, which is neutral and non-polar, with serine, which is neutral and polar, at codon 341 of the ZNF408 protein (p.Gly341Ser). This variant is not present in population databases (gnomAD no frequency). This variant has not been reported in the literature in individuals affected with ZNF408-related conditions. ClinVar contains an entry for this variant (Variation ID: 1063177). An algorithm developed to predict the effect of missense changes on protein structure and function (PolyPhen-2) suggests that this variant is likely to be tolerated. In summary, the available evidence is currently insufficient to determine the role of this variant in disease. Therefore, it has been classified as a Variant of Uncertain Significance.

Blueprint Genetics
Classification: Uncertain significance. Last evaluated: 2018-10-09. Review status: criteria provided, single submitter. Criteria: ACMG Guidelines, 2015. Collection method: clinical testing. Allele origin: germline.